The following is an entry in ClinVar:

ClinVar aggregate classification (germline): Uncertain significance (1 of 4 stars; one submission).

gnomAD v4.1: 2 of 1,612,974 alleles (0.00012%); highest among the groups gnomAD compares: Non-Finnish European, 0.000085%; no homozygotes.

Submission:

Labcorp Genetics (formerly Invitae), Labcorp
Classification: Uncertain significance. Last evaluated: 2025-04-07. Review status: criteria provided, single submitter. Criteria: Invitae Variant Classification Sherloc (09022015). Collection method: clinical testing. Allele origin: germline.
Comment: This sequence change replaces asparagine, which is neutral and polar, with aspartic acid, which is acidic and polar, at codon 15 of the LAMTOR2 protein (p.Asn15Asp). This variant is present in population databases (rs760522881, gnomAD 0.0009%). This variant has not been reported in the literature in individuals affected with LAMTOR2-related conditions. An algorithm developed to predict the effect of missense changes on protein structure and function (PolyPhen-2) suggests that this variant is likely to be disruptive. In summary, the available evidence is currently insufficient to determine the role of this variant in disease. Therefore, it has been classified as a Variant of Uncertain Significance.

NM_014017.4(LAMTOR2):c.43A>G (p.Asn15Asp)

Gene: LAMTOR2 (late endosomal/lysosomal adaptor, MAPK and MTOR activator 2; plus strand). Cytogenetic location: 1q22.
Variant type: single nucleotide variant.
Coding change: c.43A>G on transcript NM_014017.4 (MANE Select); coding-DNA position 43, A replaced by G.
Protein change: p.Asn15Asp; replaces asparagine 15 with aspartic acid.
Molecular consequence: missense variant.
Genome position (GRCh38, 1-based): chr1:156,054,932, A>G. VCF-style: chr1-156054932-A-G. GRCh37 (hg19) VCF-style: chr1-156024723-A-G.
Other names: c.43A>G, p.Asn15Asp (NM_001145264.2); short protein forms N15D.
Identifiers: ClinVar variation 4805071 (VCV004805071.1).